The following is an entry in ClinVar:

NM_203290.4(POLR1C):c.908G>A (p.Arg303Gln)

Gene: POLR1C (RNA polymerase I and III subunit C; plus strand). Cytogenetic location: 6p21.1.
Variant type: single nucleotide variant.
Coding change: c.908G>A on transcript NM_203290.4 (MANE Select); coding-DNA position 908, G replaced by A.
Protein change: p.Arg303Gln; replaces arginine 303 with glutamine.
Molecular consequence: missense variant.
Genome position (GRCh38, 1-based): chr6:43,521,034, G>A. VCF-style: chr6-43521034-G-A. GRCh37 (hg19) VCF-style: chr6-43488772-G-A.
Other names: c.908G>A, p.Arg303Gln (NM_001318876.2, NM_001363658.2); short protein forms R303Q.
Identifiers: ClinVar variation 1308109 (VCV001308109.5), dbSNP rs749189234, ClinGen allele CA3825616.

ClinVar aggregate classification (germline): Conflicting classifications of pathogenicity. Review status: criteria provided, conflicting classifications (1 of 4 stars). 2 submissions from 2 submitters: Likely pathogenic (1); Uncertain significance (1). Last evaluated 2019-08-22.

Conditions:
Leukodystrophy, hypomyelinating, 11. Identifiers: Orphanet 88637, MedGen C4225305, MONDO:0014666, OMIM 616494.

Allele frequency attached by ClinVar (database versions not stated): ExAC 0.00001; gnomAD 0.00001 and 0.00003; gnomAD exomes 0.00001 and 0.00002; TOPMed 0.00002.
gnomAD v4.1: 32 of 1,613,626 alleles (0.002%); highest among the groups gnomAD compares: Non-Finnish European, 0.0025%; no homozygotes.

Submissions (2):

GeneDx
Classification: Uncertain significance. Last evaluated: 2019-08-22. Review status: criteria provided, single submitter. Criteria: GeneDx Variant Classification Process June 2021. Collection method: clinical testing. Allele origin: germline. Affected: yes.
Comment: In silico analysis, which includes protein predictors and evolutionary conservation, supports a deleterious effect; Has not been previously published as pathogenic or benign to our knowledge; This variant is associated with the following publications: (PMID: 33190326)

Kasturba Medical College, Manipal, Kasturba Medical College, Manipal, Manipal Academy of Higher Education, Manipal, India
Classification: Likely pathogenic for Leukodystrophy, hypomyelinating, 11. Review status: criteria provided, single submitter. Criteria: ACMG Guidelines, 2015. Collection method: clinical testing. Allele origin: inherited. Inheritance: Autosomal recessive inheritance. Affected: yes. Observed: 1 compound heterozygote.